The following is an entry in ClinVar:

NM_018713.3(SLC30A10):c.775G>A (p.Ala259Thr)

Gene: SLC30A10 (solute carrier family 30 member 10; minus strand). Cytogenetic location: 1q41.
Variant type: single nucleotide variant.
Coding change: c.775G>A on transcript NM_018713.3 (MANE Select); coding-DNA position 775, G replaced by A.
Protein change: p.Ala259Thr; replaces alanine 259 with threonine.
Molecular consequence: missense variant. On other transcripts: non-coding transcript variant (2).
Genome position (GRCh38, 1-based): chr1:219,918,438, C>T on the plus strand (G>A on the coding strand, the complement: SLC30A10 is on the minus strand). VCF-style: chr1-219918438-C-T. GRCh37 (hg19) VCF-style: chr1-220091780-C-T.
Other names: c.586G>A, p.Ala196Thr (NM_001376929.1); short protein forms A196T, A259T.
Identifiers: ClinVar variation 1717296 (VCV001717296.5), dbSNP rs764095188, ClinGen allele CA1399233.

ClinVar aggregate classification (germline): Uncertain significance (1 of 4 stars; one submission).

Allele frequency attached by ClinVar (database versions not stated): ExAC 0.00001; gnomAD 0.00001.
gnomAD v4.1: 1 of 1,613,416 alleles (0.000062%); highest among the groups gnomAD compares: African/African-American, 0.0013%; no homozygotes.

Submission:

Labcorp Genetics (formerly Invitae), Labcorp
Classification: Uncertain significance. Last evaluated: 2022-08-21. Review status: criteria provided, single submitter. Criteria: Invitae Variant Classification Sherloc (09022015). Collection method: clinical testing. Allele origin: germline.
Comment: In summary, the available evidence is currently insufficient to determine the role of this variant in disease. Therefore, it has been classified as a Variant of Uncertain Significance. Algorithms developed to predict the effect of missense changes on protein structure and function (SIFT, PolyPhen-2, Align-GVGD) all suggest that this variant is likely to be disruptive. This variant has not been reported in the literature in individuals affected with SLC30A10-related conditions. This variant is present in population databases (rs764095188, gnomAD 0.008%). This sequence change replaces alanine, which is neutral and non-polar, with threonine, which is neutral and polar, at codon 259 of the SLC30A10 protein (p.Ala259Thr).